The following is an entry in ClinVar:

NM_020631.6(PLEKHG5):c.2420C>T (p.Pro807Leu)

Gene: PLEKHG5 (pleckstrin homology and RhoGEF domain containing G5; minus strand). Cytogenetic location: 1p36.31.
Variant type: single nucleotide variant.
Coding change: c.2420C>T on transcript NM_020631.6 (MANE Select); coding-DNA position 2420, C replaced by T.
Protein change: p.Pro807Leu; replaces proline 807 with leucine.
Molecular consequence: missense variant.
Genome position (GRCh38, 1-based): chr1:6,468,416, G>A on the plus strand (C>T on the coding strand, the complement: PLEKHG5 is on the minus strand). VCF-style: chr1-6468416-G-A. GRCh37 (hg19) VCF-style: chr1-6528476-G-A.
Other names: c.2531C>T, p.Pro844Leu (NM_001042663.3, NM_001265592.2); c.2420C>T, p.Pro807Leu (NM_001042664.2, NM_001042665.2, NM_001265594.3 and 1 more transcripts); c.2627C>T, p.Pro876Leu (NM_001265593.2); short protein forms P807L, P876L, P844L.
Identifiers: ClinVar variation 297944 (VCV000297944.13), dbSNP rs371547045, ClinGen allele CA561165.

ClinVar aggregate classification (germline): Uncertain significance. Review status: criteria provided, multiple submitters, no conflicts (2 of 4 stars). 3 submissions from 3 submitters: Uncertain significance (3). Last evaluated 2025-03-22.

Conditions:
Neuronopathy, distal hereditary motor, autosomal recessive 4. Also called: Autosomal recessive lower motor neuron disease with childhood onset; NEUROPATHY, DISTAL HEREDITARY MOTOR, AUTOSOMAL RECESSIVE 4. Identifiers: Orphanet 206580, MedGen C1970211, MONDO:0012608, OMIM 611067.
Charcot-Marie-Tooth disease recessive intermediate C. Also called: CHARCOT-MARIE-TOOTH NEUROPATHY, RECESSIVE INTERMEDIATE C. Identifiers: Orphanet 369867, MedGen C3809309, MONDO:0014154, OMIM 615376.
Inborn genetic diseases. Identifiers: MedGen C0950123, MeSH D030342.

Allele frequency attached by ClinVar (database versions not stated): ExAC 0.00001; gnomAD 0.00001 and 0.00002; gnomAD exomes 0.00002 and 0.00003; TOPMed 0.00003; ESP Exome Variant Server 0.00008.
gnomAD v4.1: 46 of 1,612,092 alleles (0.0029%); highest among the groups gnomAD compares: Non-Finnish European, 0.0035%; no homozygotes.

Submissions (3):

Ambry Genetics
Classification: Uncertain significance for Inborn genetic diseases. Last evaluated: 2025-03-22. Review status: criteria provided, single submitter. Criteria: Ambry Variant Classification Scheme 2023. Collection method: clinical testing. Allele origin: germline.

Labcorp Genetics (formerly Invitae), Labcorp
Classification: Uncertain significance for Neuronopathy, distal hereditary motor, autosomal recessive 4; Charcot-Marie-Tooth disease recessive intermediate C. Last evaluated: 2022-10-25. Review status: criteria provided, single submitter. Criteria: Invitae Variant Classification Sherloc (09022015). Collection method: clinical testing. Allele origin: germline.
Comment: This sequence change replaces proline, which is neutral and non-polar, with leucine, which is neutral and non-polar, at codon 807 of the PLEKHG5 protein (p.Pro807Leu). This variant is present in population databases (rs371547045, gnomAD 0.006%). This variant has not been reported in the literature in individuals affected with PLEKHG5-related conditions. ClinVar contains an entry for this variant (Variation ID: 297944). Algorithms developed to predict the effect of missense changes on protein structure and function are either unavailable or do not agree on the potential impact of this missense change (SIFT: "Tolerated"; PolyPhen-2: "Possibly Damaging"; Align-GVGD: "Class C0"). In summary, the available evidence is currently insufficient to determine the role of this variant in disease. Therefore, it has been classified as a Variant of Uncertain Significance.

Illumina Laboratory Services, Illumina
Classification: Uncertain significance for Neuronopathy, distal hereditary motor, autosomal recessive 4. Last evaluated: 2018-01-13. Review status: criteria provided, single submitter. Criteria: ICSL Variant Classification Criteria 13 December 2019. Collection method: clinical testing. Allele origin: germline.